The following is an entry in ClinVar:

ClinVar aggregate classification (germline): Pathogenic (1 of 4 stars; one submission).

Conditions:
Glycogen storage disease type III (GSD3). Also called: FORBES DISEASE; Cori disease. Identifiers: Orphanet 366, MedGen C0017922, MONDO:0009291, OMIM 232400.

Submission:

Labcorp Genetics (formerly Invitae), Labcorp
Classification: Pathogenic for Glycogen storage disease type III. Last evaluated: 2025-12-19. Review status: criteria provided, single submitter. Criteria: Invitae Variant Classification Sherloc (09022015). Collection method: clinical testing. Allele origin: germline.
Comment: This sequence change creates a premature translational stop signal (p.Tyr504*) in the AGL gene. It is expected to result in an absent or disrupted protein product. Loss-of-function variants in AGL are known to be pathogenic (PMID: 19299494). This variant is not present in population databases (gnomAD no frequency). This variant has not been reported in the literature in individuals affected with AGL-related conditions. Algorithms developed to predict the effect of sequence changes on RNA splicing suggest that this variant may disrupt the consensus splice site. For these reasons, this variant has been classified as Pathogenic.

Literature cited by the submitters: PubMed 19299494.

NM_000642.3(AGL):c.1512T>A (p.Tyr504Ter)

Gene: AGL (amylo-alpha-1,6-glucosidase and 4-alpha-glucanotransferase; plus strand). Cytogenetic location: 1p21.2.
Variant type: single nucleotide variant.
Coding change: c.1512T>A on transcript NM_000642.3 (MANE Select); coding-DNA position 1512, T replaced by A.
Protein change: p.Tyr504Ter; replaces tyrosine 504 with a stop codon.
Molecular consequence: nonsense.
Genome position (GRCh38, 1-based): chr1:99,877,729, T>A. VCF-style: chr1-99877729-T-A. GRCh37 (hg19) VCF-style: chr1-100343285-T-A.
Other names: c.1134T>A, p.Tyr378Ter (NM_001425332.1); c.1512T>A, p.Tyr504Ter (NM_000028.3, NM_000643.3, NM_000644.3 and 2 more transcripts); c.1464T>A, p.Tyr488Ter (NM_000646.3); c.1311T>A, p.Tyr437Ter (NM_001425327.1); c.1308T>A, p.Tyr436Ter (NM_001425328.1, NM_001425329.1); short protein forms Y378*, Y436*, Y437*, Y488*, Y504*.
Identifiers: ClinVar variation 4808430 (VCV004808430.1).
Genomic context (GRCh38, chr1:99,877,729, plus strand): 5'-TATTTGCTGGGGAGACAGTGTTAAATTACGCTATGGGAATAAACCAGAGGACTGTCCTTA[T>A]CTCTGGGCACACATGAAAAAATACACTGAAATAACTGCAACTTATTTCCAGGGAGTACGT-3'